The following is an entry in ClinVar:

NM_001042492.3(NF1):c.4905del (p.Tyr1634_Tyr1635insTer)

Gene: NF1 (neurofibromin 1; plus strand). Cytogenetic location: 17q11.2.
Variant type: Deletion.
Coding change: c.4905del on transcript NM_001042492.3 (MANE Select); coding-DNA position 4905, one base deleted (T; older notation c.4905delT).
Protein change: p.Tyr1634_Tyr1635insTer.
Molecular consequence: nonsense. On other transcripts: frameshift variant (1).
Genome position (GRCh38, 1-based): chr17:31,325,889, T deleted. VCF-style (leftmost placement, unchanged base first): chr17-31325888-AT-A. GRCh37 (hg19) VCF-style: chr17-29652906-AT-A.
Other names: c.4842delT, p.Tyr1614Terfs (NM_000267.4).
Identifiers: ClinVar variation 2014834 (VCV002014834.4), dbSNP rs2508694851, ClinGen allele CA2580092943.

ClinVar aggregate classification (germline): Pathogenic (1 of 4 stars; one submission).

Conditions:
Neurofibromatosis, type 1 (NF1). Also called: Neurofibromatosis, type I; Peripheral type neurofibromatosis; VON RECKLINGHAUSEN DISEASE; NEUROFIBROMATOSIS, TYPE I, SOMATIC. Identifiers: Orphanet 636, MedGen C0027831, MONDO:0018975, OMIM 162200. Disease mechanism: loss of function.

Submission:

Labcorp Genetics (formerly Invitae), Labcorp
Classification: Pathogenic for Neurofibromatosis, type 1. Last evaluated: 2022-07-07. Review status: criteria provided, single submitter. Criteria: Invitae Variant Classification Sherloc (09022015). Collection method: clinical testing. Allele origin: germline.
Comment: For these reasons, this variant has been classified as Pathogenic. This premature translational stop signal has been observed in individual(s) with clinical features of neurofibromatosis type 1 (PMID: 23913538, 30530636). This variant is not present in population databases (gnomAD no frequency). This sequence change creates a premature translational stop signal (p.Tyr1614*) in the NF1 gene. It is expected to result in an absent or disrupted protein product. Loss-of-function variants in NF1 are known to be pathogenic (PMID: 10712197, 23913538).

Literature cited by the submitters: PubMed 23913538; PubMed 30530636; PubMed 10712197.